The following is an entry in ClinVar:

ClinVar aggregate classification (germline): Uncertain significance (1 of 4 stars; one submission).

Conditions:
Hypertrophic cardiomyopathy. Also called: HYPERTROPHIC MYOCARDIOPATHY. Identifiers: Orphanet 217569, MedGen C0007194, MeSH D002312, MONDO:0005045, HP:0001639.

Submission:

All of Us Research Program, National Institutes of Health
Classification: Uncertain significance for Hypertrophic cardiomyopathy. Last evaluated: 2022-12-05. Review status: criteria provided, single submitter. Criteria: ACMG Guidelines, 2015. Collection method: clinical testing. Allele origin: germline. Inheritance: Autosomal dominant inheritance. Observed: 1 variant allele, 1 heterozygote.
Comment: This variant causes deletion of one nucleotide in intron 5 of the MYBPC3 gene. Splice site prediction tools are inconclusive regarding the impact of this variant on RNA splicing. To our knowledge, functional studies have not been reported for this variant. This variant has not been reported in individuals affected with cardiovascular disorders in the literature. This variant has not been identified in the general population by the Genome Aggregation Database (gnomAD). The available evidence is insufficient to determine the role of this variant in disease conclusively. Therefore, this variant is classified as a Variant of Uncertain Significance.

This study involves interpretation of variants in research participants for the purpose of population health screening. Participant phenotype was not available at the time of variant classification. Additional details can be found in publication PMID: 35346344, PMCID: PMC8962531

NM_000256.3(MYBPC3):c.655-4del

Gene: MYBPC3 (myosin binding protein C3; minus strand). Cytogenetic location: 11p11.2.
Variant type: Deletion.
Coding change: c.655-4del on transcript NM_000256.3 (MANE Select); 4 bases into the intron before coding-DNA position 655, one base deleted (A; older notation c.655-4delA).
Molecular consequence: intron variant.
Genome position (GRCh38, 1-based): chr11:47,348,545, T deleted on the plus strand (A on the coding strand, the reverse complement: MYBPC3 is on the minus strand). VCF-style (leftmost placement, unchanged base first): chr11-47348544-GT-G. GRCh37 (hg19) VCF-style: chr11-47370095-GT-G.
Identifiers: ClinVar variation 3069322 (VCV003069322.1), dbSNP rs2495777078, ClinGen allele CA2825002015.